The following is an entry in ClinVar:

NM_001008537.3(NEXMIF):c.1300G>A (p.Glu434Lys)

Gene: NEXMIF (neurite extension and migration factor; minus strand). Cytogenetic location: Xq13.3.
Variant type: single nucleotide variant.
Coding change: c.1300G>A on transcript NM_001008537.3 (MANE Select); coding-DNA position 1300, G replaced by A.
Protein change: p.Glu434Lys; replaces glutamic acid 434 with lysine.
Molecular consequence: missense variant.
Genome position (GRCh38, 1-based): chrX:74,743,257, C>T on the plus strand (G>A on the coding strand, the complement: NEXMIF is on the minus strand). VCF-style: chrX-74743257-C-T. GRCh37 (hg19) VCF-style: chrX-73963092-C-T.
Other names: short protein forms E434K.
Identifiers: ClinVar variation 1009992 (VCV001009992.8), dbSNP rs1569335738, ClinGen allele CA413670828.

ClinVar aggregate classification (germline): Uncertain significance (1 of 4 stars; one submission).

Allele frequency attached by ClinVar (database versions not stated): gnomAD exomes below 0.00001.
gnomAD v4.1: 2 of 1,211,272 alleles (0.00017%); highest among the groups gnomAD compares: Non-Finnish European, 0.00022%; no homozygotes.

Submission:

Labcorp Genetics (formerly Invitae), Labcorp
Classification: Uncertain significance. Last evaluated: 2020-08-14. Review status: criteria provided, single submitter. Criteria: Invitae Variant Classification Sherloc (09022015). Collection method: clinical testing. Allele origin: germline.
Comment: In summary, the available evidence is currently insufficient to determine the role of this variant in disease. Therefore, it has been classified as a Variant of Uncertain Significance. Algorithms developed to predict the effect of missense changes on protein structure and function are either unavailable or do not agree on the potential impact of this missense change (SIFT: "Deleterious"; PolyPhen-2: "Probably Damaging"; Align-GVGD: "Class C15"). This variant has not been reported in the literature in individuals with NEXMIF-related conditions. This variant is not present in population databases (ExAC no frequency). This sequence change replaces glutamic acid with lysine at codon 434 of the NEXMIF protein (p.Glu434Lys). The glutamic acid residue is highly conserved and there is a small physicochemical difference between glutamic acid and lysine.